The following is an entry in ClinVar:

ClinVar aggregate classification (germline): Uncertain significance (1 of 4 stars; one submission).

Conditions:
Kabuki syndrome. Also called: NIIKAWA-KUROKI SYNDROME; Kabuki make-up syndrome. Identifiers: Orphanet 2322, MedGen C0796004, MONDO:0016512.

Submission:

Labcorp Genetics (formerly Invitae), Labcorp
Classification: Uncertain significance for Kabuki syndrome. Last evaluated: 2025-10-19. Review status: criteria provided, single submitter. Criteria: Invitae Variant Classification Sherloc (09022015). Collection method: clinical testing. Allele origin: germline.
Comment: This sequence change falls in intron 49 of the KMT2D gene. It does not directly change the encoded amino acid sequence of the KMT2D protein. This variant is not present in population databases (gnomAD no frequency). This variant has not been reported in the literature in individuals affected with KMT2D-related conditions. Algorithms developed to predict the effect of sequence changes on RNA splicing suggest that this variant may disrupt the consensus splice site. In summary, the available evidence is currently insufficient to determine the role of this variant in disease. Therefore, it has been classified as a Variant of Uncertain Significance.

NM_003482.4(KMT2D):c.15922-12C>G

Gene: KMT2D (lysine methyltransferase 2D; minus strand). Cytogenetic location: 12q13.12.
Variant type: single nucleotide variant.
Coding change: c.15922-12C>G on transcript NM_003482.4 (MANE Select); 12 bases into the intron before coding-DNA position 15922, C replaced by G.
Molecular consequence: intron variant.
Genome position (GRCh38, 1-based): chr12:49,024,720, G>C on the plus strand (C>G on the coding strand, the complement: KMT2D is on the minus strand). VCF-style: chr12-49024720-G-C. GRCh37 (hg19) VCF-style: chr12-49418503-G-C.
Identifiers: ClinVar variation 4770904 (VCV004770904.1).